The following is an entry in ClinVar:

ClinVar aggregate classification (germline): Uncertain significance. Review status: criteria provided, multiple submitters, no conflicts (2 of 4 stars). 2 submissions from 2 submitters: Uncertain significance (2). Last evaluated 2026-05-11.

Conditions:
Inborn genetic diseases. Identifiers: MedGen C0950123, MeSH D030342.
Neuropathy, hereditary sensory and autonomic, type 2A (HSAN2A). Also called: WNK1-Related HSAN2 (HSAN2A); MORVAN DISEASE; NEUROPATHY, CONGENITAL SENSORY; NEUROPATHY, HEREDITARY SENSORY RADICULAR, AUTOSOMAL RECESSIVE; NEUROPATHY, HEREDITARY SENSORY, TYPE IIA; NEUROPATHY, PROGRESSIVE SENSORY, OF CHILDREN. Identifiers: Orphanet 970, MedGen C2752089, MONDO:0024309, OMIM 201300.
Generalized epilepsy with febrile seizures plus, type 7 (GEFSP7). Also called: GEFS+, TYPE 7. Identifiers: Orphanet 36387, MedGen C2751778, MONDO:0013470, OMIM 613863.

Allele frequency attached by ClinVar (database versions not stated): gnomAD exomes 0.00002 and 0.00001; TOPMed 0.00003; gnomAD 0.00002.
gnomAD v4.1: 36 of 1,608,712 alleles (0.0022%); highest among the groups gnomAD compares: Non-Finnish European, 0.0028%; no homozygotes.

Submissions (2):

Ambry Genetics
Classification: Uncertain significance for Inborn genetic diseases. Last evaluated: 2026-05-11. Review status: criteria provided, single submitter. Criteria: Ambry Variant Classification Scheme 2023. Collection method: clinical testing. Allele origin: germline.

Labcorp Genetics (formerly Invitae), Labcorp
Classification: Uncertain significance for Neuropathy, hereditary sensory and autonomic, type 2A; Generalized epilepsy with febrile seizures plus, type 7. Last evaluated: 2025-08-16. Review status: criteria provided, single submitter. Criteria: Invitae Variant Classification Sherloc (09022015). Collection method: clinical testing. Allele origin: germline.
Comment: This sequence change replaces glutamine, which is neutral and polar, with histidine, which is basic and polar, at codon 10 of the SCN9A protein (p.Gln10His). This variant is present in population databases (no rsID available, gnomAD 0.002%). This variant has not been reported in the literature in individuals affected with SCN9A-related conditions. ClinVar contains an entry for this variant (Variation ID: 849899). Invitae Evidence Modeling of protein sequence and biophysical properties (such as structural, functional, and spatial information, amino acid conservation, physicochemical variation, residue mobility, and thermodynamic stability) has been performed for this missense variant. However, the output from this modeling did not meet the statistical confidence thresholds required to predict the impact of this variant on SCN9A protein function. In summary, the available evidence is currently insufficient to determine the role of this variant in disease. Therefore, it has been classified as a Variant of Uncertain Significance.

NM_001365536.1(SCN9A):c.30G>C (p.Gln10His)

Gene: SCN9A (sodium voltage-gated channel alpha subunit 9; minus strand). Cytogenetic location: 2q24.3.
Variant type: single nucleotide variant.
Coding change: c.30G>C on transcript NM_001365536.1 (MANE Select); coding-DNA position 30, G replaced by C.
Protein change: p.Gln10His; replaces glutamine 10 with histidine.
Molecular consequence: missense variant.
Genome position (GRCh38, 1-based): chr2:166,311,727, C>G on the plus strand (G>C on the coding strand, the complement: SCN9A is on the minus strand). VCF-style: chr2-166311727-C-G. GRCh37 (hg19) VCF-style: chr2-167168237-C-G.
Other names: c.30G>C, p.Gln10His (NM_002977.4); short protein forms Q10H.
Identifiers: ClinVar variation 849899 (VCV000849899.9), dbSNP rs942556763, ClinGen allele CA59810469.
Genomic context (GRCh38, chr2:166,311,727, plus strand): 5'-TCTTTCAGCAATGCGTTGTTCAATGAGGGCAAGAGACTGTTTTGTGAAATGGACAAAGCT[C>G]TGAGGTCCTGGGGGAGGCAACATTGCCATCTTTTCATCCTGTATATTTTAATTCCTCTTC-3'
Protein context (NP_001352465.1, residues 1-20): MAMLPPPGP[Gln10His]SFVHFTKQSL